The following is an entry in ClinVar:

NM_001099402.2(CCNK):c.1097C>T (p.Pro366Leu)

Genes: CCDC85C (coiled-coil domain containing 85C; minus strand), CCNK (cyclin K; plus strand). Cytogenetic location: 14q32.2.
Variant type: single nucleotide variant.
Coding change: c.1097C>T on transcript NM_001099402.2 (MANE Select); coding-DNA position 1097, C replaced by T.
Protein change: p.Pro366Leu; replaces proline 366 with leucine.
Molecular consequence: missense variant. On other transcripts: 3 prime UTR variant (1).
Genome position (GRCh38, 1-based): chr14:99,507,127, C>T. VCF-style: chr14-99507127-C-T. GRCh37 (hg19) VCF-style: chr14-99973464-C-T.
Other names: c.*8119G>A (NM_001144995.2); short protein forms P366L.
Identifiers: ClinVar variation 5037392 (VCV005037392.1).

ClinVar aggregate classification (germline): Uncertain significance (1 of 4 stars; one submission).

Submission:

GeneDx
Classification: Uncertain significance. Last evaluated: 2026-04-17. Review status: criteria provided, single submitter. Criteria: GeneDx Variant Classification Process June 2021. Collection method: clinical testing. Allele origin: germline.
Comment: Not observed at significant frequency in large population cohorts (gnomAD); In silico analysis supports that this missense variant has a deleterious effect on protein structure/function; Has not been previously published as pathogenic or benign to our knowledge